The following is an entry in ClinVar:

NM_015488.5(PNKD):c.768C>A (p.Phe256Leu)

Genes: CATIP-AS2 (CATIP antisense RNA 2; minus strand), PNKD (PNKD metallo-beta-lactamase domain containing; plus strand). Cytogenetic location: 2q35.
Variant type: single nucleotide variant.
Coding change: c.768C>A on transcript NM_015488.5 (MANE Select); coding-DNA position 768, C replaced by A.
Protein change: p.Phe256Leu; replaces phenylalanine 256 with leucine.
Molecular consequence: missense variant.
Genome position (GRCh38, 1-based): chr2:218,342,131, C>A. VCF-style: chr2-218342131-C-A. GRCh37 (hg19) VCF-style: chr2-219206854-C-A.
Other names: c.696C>A, p.Phe232Leu (NM_022572.5); short protein forms F232L, F256L.
Identifiers: ClinVar variation 1718320 (VCV001718320.5), dbSNP rs1694697673, ClinGen allele CA350541479.

ClinVar aggregate classification (germline): Uncertain significance (1 of 4 stars; one submission).

Conditions:
Paroxysmal nonkinesigenic dyskinesia. Also called: Paroxysmal non-kinesigenic dyskinesia. Identifiers: Orphanet 98810, MedGen C1869117, MONDO:0700088.

Allele frequency attached by ClinVar (database versions not stated): TOPMed below 0.00001.

Submission:

Labcorp Genetics (formerly Invitae), Labcorp
Classification: Uncertain significance for Paroxysmal nonkinesigenic dyskinesia. Last evaluated: 2024-08-14. Review status: criteria provided, single submitter. Criteria: Invitae Variant Classification Sherloc (09022015). Collection method: clinical testing. Allele origin: germline.
Comment: This sequence change replaces phenylalanine, which is neutral and non-polar, with leucine, which is neutral and non-polar, at codon 256 of the PNKD protein (p.Phe256Leu). This variant is not present in population databases (gnomAD no frequency). This variant has not been reported in the literature in individuals affected with PNKD-related conditions. ClinVar contains an entry for this variant (Variation ID: 1718320). Invitae Evidence Modeling of protein sequence and biophysical properties (such as structural, functional, and spatial information, amino acid conservation, physicochemical variation, residue mobility, and thermodynamic stability) indicates that this missense variant is not expected to disrupt PNKD protein function with a negative predictive value of 80%. In summary, the available evidence is currently insufficient to determine the role of this variant in disease. Therefore, it has been classified as a Variant of Uncertain Significance.